The following is an entry in ClinVar:

NM_152703.5(SAMD9L):c.4368T>A (p.Asn1456Lys)

Gene: SAMD9L (sterile alpha motif domain containing 9 like; minus strand). Cytogenetic location: 7q21.2.
Variant type: single nucleotide variant.
Coding change: c.4368T>A on transcript NM_152703.5 (MANE Select); coding-DNA position 4368, T replaced by A.
Protein change: p.Asn1456Lys; replaces asparagine 1456 with lysine.
Molecular consequence: missense variant.
Genome position (GRCh38, 1-based): chr7:93,131,604, A>T on the plus strand (T>A on the coding strand, the complement: SAMD9L is on the minus strand). VCF-style: chr7-93131604-A-T. GRCh37 (hg19) VCF-style: chr7-92760917-A-T.
Other names: c.4368T>A (NM_152703.4, NM_152703.3, NM_152703.2); c.4368T>A, p.Asn1456Lys (NM_001303496.3, NM_001303497.3, NM_001303498.3 and 5 more transcripts); short protein forms N1456K.
Identifiers: ClinVar variation 871430 (VCV000871430.53), dbSNP rs144026608, ClinGen allele CA4343319.

ClinVar aggregate classification (germline): Conflicting classifications of pathogenicity. Review status: criteria provided, conflicting classifications (1 of 4 stars). 6 submissions from 6 submitters: Uncertain significance (2); Likely benign (3). 1 of the submissions does not count toward it. Last evaluated 2026-01-24.

Conditions:
Inborn genetic diseases. Identifiers: MedGen C0950123, MeSH D030342.

Allele frequency attached by ClinVar (database versions not stated): gnomAD exomes 0.00005 and 0.00006; TOPMed 0.00005; ExAC 0.00007; gnomAD 0.00007; ESP Exome Variant Server 0.00023.

Submissions (6):

Labcorp Genetics (formerly Invitae), Labcorp
Classification: Uncertain significance. Last evaluated: 2026-01-24. Review status: criteria provided, single submitter. Criteria: Invitae Variant Classification Sherloc (09022015). Collection method: clinical testing. Allele origin: germline.
Comment: This sequence change replaces asparagine, which is neutral and polar, with lysine, which is basic and polar, at codon 1456 of the SAMD9L protein (p.Asn1456Lys). The frequency data for this variant in the population databases is considered unreliable, as metrics indicate poor data quality at this position in the gnomAD database. This variant has not been reported in the literature in individuals affected with SAMD9L-related conditions. ClinVar contains an entry for this variant (Variation ID: 871430). An algorithm developed to predict the effect of missense changes on protein structure and function outputs the following: PolyPhen-2: "Benign". The lysine amino acid residue is found in multiple mammalian species, which suggests that this missense change does not adversely affect protein function. In summary, the available evidence is currently insufficient to determine the role of this variant in disease. Therefore, it has been classified as a Variant of Uncertain Significance.

GeneDx
Classification: Uncertain significance. Last evaluated: 2025-09-10. Review status: criteria provided, single submitter. Criteria: GeneDx Variant Classification Process June 2021. Collection method: clinical testing. Allele origin: germline.
Comment: In silico analysis suggests that this missense variant does not alter protein structure/function; Has not been previously published as pathogenic or benign to our knowledge

Ambry Genetics
Classification: Likely benign for Inborn genetic diseases. Last evaluated: 2024-11-17. Review status: criteria provided, single submitter. Criteria: Ambry Variant Classification Scheme 2023. Collection method: clinical testing. Allele origin: germline.

Blueprint Genetics
Classification: Likely benign. Last evaluated: 2023-09-18. Review status: criteria provided, single submitter. Criteria: ACMG Guidelines, 2015. Collection method: clinical testing. Allele origin: germline.

CeGaT Center for Human Genetics Tuebingen
Classification: Likely benign. Last evaluated: 2020-01-01. Review status: criteria provided, single submitter. Criteria: CeGaT Center For Human Genetics Tuebingen Variant Classification Criteria Version 2. Collection method: clinical testing. Allele origin: germline. Affected: yes. Observed: 1 variant allele.

Genetic Services Laboratory, University of Chicago
Classification: Uncertain significance. Last evaluated: 2022-08-02. Review status: no assertion criteria provided. Collection method: clinical testing. Allele origin: germline. Affected: no. Not counted in ClinVar's aggregate classification.
Comment: DNA sequence analysis of the SAMD9L gene demonstrated a sequence change, c.4368T>A, in exon 5 that results in an amino acid change, p.Asn1456Lys. This sequence change does not appear to have been previously described in individuals with SAMD9L-related disorders. This sequence change has been described in the gnomAD database with a frequency of 0.012% in the European subpopulation (dbSNP rs144026608). The p.Asn1456Lys change affects a moderately conserved amino acid residue located in a domain of the SAMD9L protein that is not known to be functional. The p.Asn1456Lys substitution appears to be benign using several in-silico pathogenicity prediction tools (SIFT, PolyPhen2, Align GVGD, REVEL). Due to insufficient evidences and the lack of functional studies, the clinical significance of the p.Asn1456Lys change remains unknown at this time. Heterozygous pathogenic variants in SAMD9L are associated with ataxia-pancytopenia syndrome, which is characterized by cerebellar ataxia, variable hematologic cytopenias, and predisposition to bone marrow failure and myeloid leukemia [OMIM# 159550].